The following is an entry in ClinVar:

NM_002397.5(MEF2C):c.54+5G>A

Gene: MEF2C (myocyte enhancer factor 2C; minus strand). Cytogenetic location: 5q14.3.
Variant type: single nucleotide variant.
Coding change: c.54+5G>A on transcript NM_002397.5 (MANE Select); 5 bases into the intron after coding-DNA position 54, G replaced by A.
Molecular consequence: intron variant.
Genome position (GRCh38, 1-based): chr5:88,823,730, C>T on the plus strand (G>A on the coding strand, the complement: MEF2C is on the minus strand). VCF-style: chr5-88823730-C-T. GRCh37 (hg19) VCF-style: chr5-88119547-C-T.
Other names: c.54+5G>A (NM_001364329.2, NM_001364330.2, NM_001364333.2 and 29 more transcripts).
Identifiers: ClinVar variation 2808527 (VCV002808527.1), dbSNP rs1809593705, ClinGen allele CA1562262516.

ClinVar aggregate classification (germline): Uncertain significance (1 of 4 stars; one submission).

Conditions:
Neurodevelopmental disorder with hypotonia, stereotypic hand movements, and impaired language. Also called: Intellectual disability, autosomal dominant 20. Identifiers: Orphanet 228384, Orphanet 664410, MedGen C3150700, MONDO:0013266, OMIM 613443.

Submission:

Labcorp Genetics (formerly Invitae), Labcorp
Classification: Uncertain significance for Neurodevelopmental disorder with hypotonia, stereotypic hand movements, and impaired language. Last evaluated: 2023-06-02. Review status: criteria provided, single submitter. Criteria: Invitae Variant Classification Sherloc (09022015). Collection method: clinical testing. Allele origin: germline.
Comment: In summary, the available evidence is currently insufficient to determine the role of this variant in disease. Therefore, it has been classified as a Variant of Uncertain Significance. Variants that disrupt the consensus splice site are a relatively common cause of aberrant splicing (PMID: 17576681, 9536098). Algorithms developed to predict the effect of sequence changes on RNA splicing suggest that this variant is not likely to affect RNA splicing. This variant has not been reported in the literature in individuals affected with MEF2C-related conditions. This variant is not present in population databases (gnomAD no frequency). This sequence change falls in intron 2 of the MEF2C gene. It does not directly change the encoded amino acid sequence of the MEF2C protein. It affects a nucleotide within the consensus splice site.

Literature cited by the submitters: PubMed 17576681; PubMed 9536098.